The following is an entry in ClinVar:

ClinVar aggregate classification (germline): Uncertain significance. Review status: criteria provided, multiple submitters, no conflicts (2 of 4 stars). 4 submissions from 4 submitters: Uncertain significance (4). Last evaluated 2026-04-03.

Conditions:
Cardiomyopathy (CMYO). Also called: Cardiomyopathies. Identifiers: Orphanet 167848, MedGen C0878544, MONDO:0004994, HP:0001638. Inheritance: Various modes of inheritance.
Arrhythmogenic right ventricular dysplasia 8 (ARVD8). Also called: Arrhythmogenic Right Ventricular Dysplasia/Cardiomyopathy 8; ARRHYTHMOGENIC RIGHT VENTRICULAR DYSPLASIA, FAMILIAL, 8; ARRHYTHMOGENIC RIGHT VENTRICULAR CARDIOMYOPATHY 8. Identifiers: MedGen C1843896, MONDO:0011831, OMIM 607450.
Arrhythmogenic cardiomyopathy with wooly hair and keratoderma. Also called: Carvajal syndrome; Arrhythmogenic cardiomyopathy with woolly hair and keratoderma; PALMOPLANTAR KERATODERMA WITH LEFT VENTRICULAR CARDIOMYOPATHY AND WOOLLY HAIR; Dilated cardiomyopathy with woolly hair and keratoderma. Identifiers: Orphanet 65282, MedGen C1854063, MONDO:0011581, OMIM 605676.
Woolly hair-skin fragility syndrome (WHSF). Identifiers: Orphanet 293165, MedGen C1843292, MONDO:0957307, OMIM 620415.
Lethal acantholytic epidermolysis bullosa (EBLA). Identifiers: Orphanet 158687, MedGen C1864826, MONDO:0012323, OMIM 609638.
Cardiomyopathy, dilated, with wooly hair, keratoderma, and tooth agenesis. Also called: Erythrokeratodermia-cardiomyopathy syndrome; Cardiomyopathy, dilated, with woolly hair, keratoderma, and tooth agenesis. Identifiers: Orphanet 476096, Orphanet 65282, MedGen C4014393, MONDO:0014355, OMIM 615821.
Keratosis palmoplantaris striata 2. Also called: KERATODERMA, PALMOPLANTAR, STRIATE FORM II; STRIATE PALMOPLANTAR KERATODERMA II; Keratosis palmoplantaris striata II. Identifiers: MedGen C1852127, MONDO:0013034, OMIM 612908.

Allele frequency attached by ClinVar (database versions not stated): gnomAD exomes below 0.00001.
gnomAD v4.1: 1 of 1,614,114 alleles (0.000062%); highest among the groups gnomAD compares: Non-Finnish European, 0.000085%; no homozygotes.

Submissions (4):

Women's Health and Genetics/Laboratory Corporation of America, LabCorp
Classification: Uncertain significance. Last evaluated: 2026-04-03. Review status: criteria provided, single submitter. Criteria: LabCorp Variant Classification Summary - May 2015. Collection method: clinical testing. Allele origin: germline.
Comment: Variant summary: DSP c.2161G>A (p.Glu721Lys) results in a conservative amino acid change in the encoded protein sequence. Algorithms developed to predict the effect of missense changes on protein structure and function are either unavailable or do not agree on the potential impact of this missense change. The variant allele was found at a frequency of 4e-06 in 251334 control chromosomes. The available data on variant occurrences in the general population are insufficient to allow any conclusion about variant significance. c.2161G>A has been observed in individuals affected with Arrhythmogenic Right Ventricular Dysplasia or Dilated Cardiomyopathy (e.g. Verdonschot_2020, Walsh_2017). These reports do not provide unequivocal conclusions about association of the variant with DSP-related conditions. To our knowledge, no experimental evidence demonstrating an impact on protein function has been reported. The following publications have been ascertained in the context of this evaluation (PMID: 32880476, 27532257). ClinVar contains an entry for this variant (Variation ID: 923573). Based on the evidence outlined above, the variant was classified as uncertain significance.

Labcorp Genetics (formerly Invitae), Labcorp
Classification: Uncertain significance for Arrhythmogenic cardiomyopathy with wooly hair and keratoderma; Arrhythmogenic right ventricular dysplasia 8. Last evaluated: 2025-12-21. Review status: criteria provided, single submitter. Criteria: Invitae Variant Classification Sherloc (09022015). Collection method: clinical testing. Allele origin: germline.
Comment: This sequence change replaces glutamic acid, which is acidic and polar, with lysine, which is basic and polar, at codon 721 of the DSP protein (p.Glu721Lys). This variant is present in population databases (no rsID available, gnomAD 0.0009%). This missense change has been observed in individual(s) with arrhythmogenic right ventricular cardiomyopathy (PMID: 27532257). ClinVar contains an entry for this variant (Variation ID: 923573). An algorithm developed to predict the effect of missense changes on protein structure and function (PolyPhen-2) suggests that this variant is likely to be tolerated. In summary, the available evidence is currently insufficient to determine the role of this variant in disease. Therefore, it has been classified as a Variant of Uncertain Significance.

Color Diagnostics, LLC DBA Color Health
Classification: Uncertain significance for Cardiomyopathy. Last evaluated: 2023-01-10. Review status: criteria provided, single submitter. Criteria: ACMG Guidelines, 2015. Collection method: clinical testing. Allele origin: germline.
Comment: This missense variant replaces glutamic acid with lysine at codon 721 of the DSP protein. Computational prediction suggests that this variant may not impact protein structure and function (internally defined REVEL score threshold <= 0.5, PMID: 27666373). To our knowledge, functional studies have not been reported for this variant. This variant has not been reported in individuals affected with DSP-related disorders in the literature. This variant has been identified in 1/251334 chromosomes in the general population by the Genome Aggregation Database (gnomAD). The available evidence is insufficient to determine the role of this variant in disease conclusively. Therefore, this variant is classified as a Variant of Uncertain Significance.

Fulgent Genetics
Classification: Uncertain significance for Arrhythmogenic cardiomyopathy with wooly hair and keratoderma; Arrhythmogenic right ventricular dysplasia 8; Lethal acantholytic epidermolysis bullosa; Keratosis palmoplantaris striata 2; Cardiomyopathy, dilated, with wooly hair, keratoderma, and tooth agenesis. Last evaluated: 2021-09-15. Review status: criteria provided, single submitter. Criteria: ACMG Guidelines, 2015. Collection method: clinical testing. Allele origin: unknown.

Literature cited by the submitters: PubMed 27532257 (cited by Women's Health and Genetics/Laboratory Corporation of America, LabCorp and Labcorp Genetics (formerly Invitae), Labcorp); PubMed 32880476 (cited by Women's Health and Genetics/Laboratory Corporation of America, LabCorp).

NM_004415.4(DSP):c.2161G>A (p.Glu721Lys)

Gene: DSP (desmoplakin; plus strand). Cytogenetic location: 6p24.3.
Variant type: single nucleotide variant.
Coding change: c.2161G>A on transcript NM_004415.4 (MANE Select); coding-DNA position 2161, G replaced by A.
Protein change: p.Glu721Lys; replaces glutamic acid 721 with lysine.
Molecular consequence: missense variant.
Genome position (GRCh38, 1-based): chr6:7,574,116, G>A. VCF-style: chr6-7574116-G-A. GRCh37 (hg19) VCF-style: chr6-7574349-G-A.
Other names: c.2161G>A, p.Glu721Lys (NM_001008844.3, NM_001319034.2); short protein forms E721K.
Identifiers: ClinVar variation 923573 (VCV000923573.12), dbSNP rs963374775, ClinGen allele CA133961949.